The following is an entry in ClinVar:

NM_014694.4(ADAMTSL2):c.310-117CGGCTGTCC[2]

Gene: ADAMTSL2 (ADAMTS like 2; plus strand). Cytogenetic location: 9q34.2.
Variant type: Microsatellite.
Coding change: c.310-117CGGCTGTCC[2] on transcript NM_014694.4 (MANE Select); two copies in a row of the 9-base unit CGGCTGTCC starting at c.310-117.
Molecular consequence: intron variant.
Genome position: GRCh38 VCF-style: chr9-133539653-ACGGCTGTCC-A. GRCh37 (hg19) VCF-style: chr9-136404775-ACGGCTGTCC-A.
Other names: c.310-117CGGCTGTCC[2] (NM_001145320.2).
Identifiers: ClinVar variation 4533410 (VCV004533410.6).

ClinVar aggregate classification (germline): Benign (1 of 4 stars; one submission).

Submission:

CeGaT Center for Human Genetics Tuebingen
Classification: Benign. Last evaluated: 2026-06-01. Review status: criteria provided, single submitter. Criteria: CeGaT Center For Human Genetics Tuebingen Variant Classification Criteria Version 2. Collection method: clinical testing. Allele origin: germline. Affected: yes. Observed: 4 variant alleles.
Comment: ADAMTSL2: BS1, BS2